The following is an entry in ClinVar:

ClinVar aggregate classification (germline): Likely benign (1 of 4 stars; one submission).

Submission:

GeneDx
Classification: Likely benign. Last evaluated: 2017-07-20. Review status: criteria provided, single submitter. Criteria: GeneDx Variant Classification (06012015). Collection method: clinical testing. Allele origin: germline. Affected: yes.
Comment: This variant is considered likely benign or benign based on one or more of the following criteria: it is a conservative change, it occurs at a poorly conserved position in the protein, it is predicted to be benign by multiple in silico algorithms, and/or has population frequency not consistent with disease.

NM_001267550.2(TTN):c.21162T>G (p.Gly7054=)

Genes: TTN (titin; minus strand), LOC126806428 (BRD4-independent group 4 enhancer GRCh37_chr2:179588362-179589561; plus strand). Cytogenetic location: 2q31.2.
Variant type: single nucleotide variant.
Coding change: c.21162T>G on transcript NM_001267550.2 (MANE Select); coding-DNA position 21162, T replaced by G.
Protein change: p.Gly7054=; no amino-acid change (glycine 7054 retained).
Molecular consequence: synonymous variant. On other transcripts: intron variant (3).
Genome position (GRCh38, 1-based): chr2:178,724,097, A>C on the plus strand (T>G on the coding strand, the complement: TTN is on the minus strand). VCF-style: chr2-178724097-A-C. GRCh37 (hg19) VCF-style: chr2-179588824-A-C.
Other names: c.20211T>G, p.Gly6737= (NM_001256850.1); c.17430T>G, p.Gly5810= (NM_133378.4); c.13282+13985T>G (NM_003319.4); c.13858+13985T>G (NM_133437.4); c.13657+13985T>G (NM_133432.3).
Identifiers: ClinVar variation 511050 (VCV000511050.1), dbSNP rs1553913456, ClinGen allele CA430288891.